The following is an entry in ClinVar:

ClinVar aggregate classification (germline): Uncertain significance. Review status: criteria provided, multiple submitters, no conflicts (2 of 4 stars). 3 submissions from 3 submitters: Uncertain significance (3). Last evaluated 2025-09-10.

Conditions:
ESRRB-related disorder. Also called: ESRRB-related condition.
Autosomal recessive nonsyndromic hearing loss 35. Identifiers: Orphanet 90636, MedGen C1837857, MONDO:0012060, OMIM 608565.

Allele frequency attached by ClinVar (database versions not stated): gnomAD exomes below 0.00001; ExAC 0.00001.
gnomAD v4.1: 13 of 1,613,466 alleles (0.00081%); highest among the groups gnomAD compares: East Asian, 0.0022%; no homozygotes.

Submissions (3):

Genomic Medicine Center of Excellence, King Faisal Specialist Hospital and Research Centre
Classification: Uncertain significance for Autosomal recessive nonsyndromic hearing loss 35. Last evaluated: 2025-09-10. Review status: criteria provided, single submitter. Criteria: ACMG Guidelines, 2015. Collection method: clinical testing. Allele origin: germline.

PreventionGenetics, part of Exact Sciences
Classification: Uncertain significance for ESRRB-related condition. Last evaluated: 2025-03-26. Review status: criteria provided, single submitter. Criteria: ACMG Guidelines, 2015. Collection method: clinical testing. Allele origin: germline.
Comment: The ESRRB c.515-4A>G variant is predicted to interfere with splicing. This variant is predicted to impact splicing based on available splicing prediction programs (SpliceAI, Jaganathan et al. 2019. PubMed ID: 30661751). To our knowledge, this variant has not been reported in the literature. This variant is reported in 0.0054% of alleles in individuals of East Asian descent in gnomAD. At this time, the clinical significance of this variant is uncertain due to the absence of conclusive functional and genetic evidence.

Illumina Laboratory Services, Illumina
Classification: Uncertain significance for Autosomal recessive nonsyndromic hearing loss 35. Last evaluated: 2018-01-12. Review status: criteria provided, single submitter. Criteria: ICSL Variant Classification Criteria 13 December 2019. Collection method: clinical testing. Allele origin: germline.

NM_001379180.1(ESRRB):c.578-4A>G

Gene: ESRRB (estrogen related receptor beta; plus strand). Cytogenetic location: 14q24.3.
Variant type: single nucleotide variant.
Coding change: c.578-4A>G on transcript NM_001379180.1 (MANE Select); 4 bases into the intron before coding-DNA position 578, A replaced by G.
Molecular consequence: intron variant.
Genome position (GRCh38, 1-based): chr14:76,482,012, A>G. VCF-style: chr14-76482012-A-G. GRCh37 (hg19) VCF-style: chr14-76948355-A-G.
Other names: c.515-4A>G (NM_004452.4).
Identifiers: ClinVar variation 314486 (VCV000314486.7), dbSNP rs753495127, ClinGen allele CA7281632.